The following is an entry in ClinVar:

ClinVar aggregate classification (germline): Pathogenic (1 of 4 stars; one submission).

Conditions:
Mucopolysaccharidosis type 6 (MPS6). Also called: MPS 6; Maroteaux Lamy syndrome; MPS VI; N-ACETYLGALACTOSAMINE-4-SULFATASE DEFICIENCY; ARSB DEFICIENCY; ARYLSULFATASE B DEFICIENCY. Identifiers: Orphanet 583, MedGen C0026709, MONDO:0009661, OMIM 253200.

Submission:

Labcorp Genetics (formerly Invitae), Labcorp
Classification: Pathogenic for Mucopolysaccharidosis type 6. Last evaluated: 2022-05-04. Review status: criteria provided, single submitter. Criteria: Invitae Variant Classification Sherloc (09022015). Collection method: clinical testing. Allele origin: germline.
Comment: For these reasons, this variant has been classified as Pathogenic. ClinVar contains an entry for this variant (Variation ID: 1074059). This variant has not been reported in the literature in individuals affected with ARSB-related conditions. This variant is not present in population databases (gnomAD no frequency). This sequence change creates a premature translational stop signal (p.Pro157Glnfs*27) in the ARSB gene. It is expected to result in an absent or disrupted protein product. Loss-of-function variants in ARSB are known to be pathogenic (PMID: 17458871, 22133300).

Literature cited by the submitters: PubMed 17458871; PubMed 22133300.

NM_000046.5(ARSB):c.468del (p.Pro157fs)

Gene: ARSB (arylsulfatase B; minus strand). Cytogenetic location: 5q14.1.
Variant type: Deletion.
Coding change: c.468del on transcript NM_000046.5 (MANE Select); coding-DNA position 468, one base deleted (T; older notation c.468delT).
Protein change: p.Pro157fs; shifts the reading frame from proline 157.
Molecular consequence: frameshift variant.
Genome position (GRCh38, 1-based): chr5:78,969,037, A deleted on the plus strand (T on the coding strand, the reverse complement: ARSB is on the minus strand); the first of 2 consecutive A bases (chr5:78,969,037-78,969,038); deleting either gives the same sequence. VCF-style (leftmost placement, unchanged base first): chr5-78969036-GA-G. GRCh37 (hg19) VCF-style: chr5-78264859-GA-G.
Other names: c.468del, p.Pro157fs (NM_198709.3); short protein forms P157fs.
Identifiers: ClinVar variation 1074059 (VCV001074059.7), dbSNP rs2112529559, ClinGen allele CA2499217922.